The following is an entry in ClinVar:

NM_152387.4(KCTD18):c.937C>A (p.Arg313=)

Gene: KCTD18 (potassium channel tetramerization domain containing 18; minus strand). Cytogenetic location: 2q33.1.
Variant type: single nucleotide variant.
Coding change: c.937C>A on transcript NM_152387.4 (MANE Select); coding-DNA position 937, C replaced by A.
Protein change: p.Arg313=; no amino-acid change (arginine 313 retained).
Molecular consequence: synonymous variant.
Genome position (GRCh38, 1-based): chr2:200,490,444, G>T on the plus strand (C>A on the coding strand, the complement: KCTD18 is on the minus strand). VCF-style: chr2-200490444-G-T. GRCh37 (hg19) VCF-style: chr2-201355167-G-T.
Other names: c.937C>A, p.Arg313= (NM_001321547.2); c.310C>A, p.Arg104= (NM_001321548.2, NM_001321550.2).
Identifiers: ClinVar variation 2651809 (VCV002651809.24), dbSNP rs185813104, ClinGen allele CA2047552.

ClinVar aggregate classification (germline): Likely benign (1 of 4 stars; one submission).

Allele frequency attached by ClinVar (database versions not stated): ExAC 0.00002; 1000 Genomes Project 30x 0.00031; 1000 Genomes Project 0.00040.

Submission:

CeGaT Center for Human Genetics Tuebingen
Classification: Likely benign. Last evaluated: 2023-02-01. Review status: criteria provided, single submitter. Criteria: CeGaT Center For Human Genetics Tuebingen Variant Classification Criteria Version 2. Collection method: clinical testing. Allele origin: germline. Affected: yes. Observed: 1 variant allele.
Comment: KCTD18: BP4, BP7